The following is an entry in ClinVar:

ClinVar aggregate classification (germline): Conflicting classifications of pathogenicity. Review status: criteria provided, conflicting classifications (1 of 4 stars). 4 submissions from 4 submitters: Uncertain significance (3); Benign (1). Last evaluated 2025-09-09.

Conditions:
Hereditary cancer-predisposing syndrome. Also called: Tumor predisposition; Hereditary Cancer Syndrome; Hereditary neoplastic syndrome; Neoplastic Syndromes, Hereditary. Identifiers: Orphanet 140162, MedGen C0027672, MeSH D009386, MONDO:0015356.
Familial adenomatous polyposis 2. Also called: COLORECTAL ADENOMATOUS POLYPOSIS, AUTOSOMAL RECESSIVE; MUTYH Polyposis; MUTYH-associated polyposis; MUTYH-related attenuated familial adenomatous polyposis; Adenomas, multiple colorectal; ADENOMAS, MULTIPLE COLORECTAL, AUTOSOMAL RECESSIVE. Identifiers: Orphanet 220460, Orphanet 247798, MedGen C3272841, MONDO:0012041, OMIM 608456.

Allele frequency attached by ClinVar (database versions not stated): gnomAD exomes below 0.00001.
gnomAD v4.1: 1 of 1,614,146 alleles (0.000062%); highest among the groups gnomAD compares: Non-Finnish European, 0.000085%; no homozygotes.

Submissions (4):

Ambry Genetics
Classification: Benign for Hereditary cancer-predisposing syndrome. Last evaluated: 2025-09-09. Review status: criteria provided, single submitter. Criteria: Ambry Variant Classification Scheme 2023. Collection method: clinical testing. Allele origin: germline.

Labcorp Genetics (formerly Invitae), Labcorp
Classification: Uncertain significance for Familial adenomatous polyposis 2. Last evaluated: 2024-09-03. Review status: criteria provided, single submitter. Criteria: Invitae Variant Classification Sherloc (09022015). Collection method: clinical testing. Allele origin: germline.
Comment: This sequence change replaces alanine, which is neutral and non-polar, with aspartic acid, which is acidic and polar, at codon 40 of the MUTYH protein (p.Ala40Asp). This variant is not present in population databases (gnomAD no frequency). This variant has not been reported in the literature in individuals affected with MUTYH-related conditions. ClinVar contains an entry for this variant (Variation ID: 406852). An algorithm developed to predict the effect of missense changes on protein structure and function (PolyPhen-2) suggests that this variant is likely to be tolerated. In summary, the available evidence is currently insufficient to determine the role of this variant in disease. Therefore, it has been classified as a Variant of Uncertain Significance.

Color Diagnostics, LLC DBA Color Health
Classification: Uncertain significance for Hereditary cancer-predisposing syndrome. Last evaluated: 2023-12-05. Review status: criteria provided, single submitter. Criteria: ACMG Guidelines, 2015. Collection method: clinical testing. Allele origin: germline.
Comment: This missense variant replaces alanine with aspartic acid at codon 40 of the MUTYH protein. Computational prediction suggests that this variant may not impact protein structure and function (internally defined REVEL score threshold <= 0.5, PMID: 27666373). To our knowledge, functional studies have not been reported for this variant. This variant has not been reported in individuals affected with MUTYH-related disorders in the literature. This variant has not been identified in the general population by the Genome Aggregation Database (gnomAD). The available evidence is insufficient to determine the role of this variant in disease conclusively. Therefore, this variant is classified as a Variant of Uncertain Significance.

Baylor Genetics
Classification: Uncertain significance for Familial adenomatous polyposis 2. Last evaluated: 2023-08-13. Review status: criteria provided, single submitter. Criteria: ACMG Guidelines, 2015. Collection method: clinical testing. Allele origin: unknown.

Literature cited by the submitters: PubMed 40738107 (cited by Ambry Genetics).

NM_001048174.2(MUTYH):c.77C>A (p.Ala26Asp)

Gene: MUTYH (mutY DNA glycosylase; minus strand). Cytogenetic location: 1p34.1.
Variant type: single nucleotide variant.
Coding change: c.77C>A on transcript NM_001048174.2 (MANE Select); coding-DNA position 77, C replaced by A.
Protein change: p.Ala26Asp; replaces alanine 26 with aspartic acid.
Molecular consequence: missense variant. On other transcripts: 5 prime UTR variant (4), non-coding transcript variant (2).
Genome position (GRCh38, 1-based): chr1:45,334,429, G>T on the plus strand (C>A on the coding strand, the complement: MUTYH is on the minus strand). VCF-style: chr1-45334429-G-T. GRCh37 (hg19) VCF-style: chr1-45800101-G-T.
Other names: c.77C>A, p.Ala26Asp (NM_001048171.2, NM_001048172.2, NM_001048173.2 and 2 more transcripts); c.119C>A, p.Ala40Asp (NM_001128425.2, NM_001293190.2, NM_012222.3); c.-136C>A (NM_001293192.2, NM_001293196.2); c.-195C>A (NM_001350650.2); c.-131C>A (NM_001350651.2); short protein forms A40D, A26D.
Identifiers: ClinVar variation 406852 (VCV000406852.17), dbSNP rs1060501338, ClinGen allele CA16610145.
Genomic context (GRCh38, chr1:45,334,429, plus strand): 5'-GGGCCACAACCTAGTTCCTTACCATCACAGGCAGAAGGCTTGGCCTGACTGTTGTTCTTA[G>T]CATGCTTCTGCCTCCCTTCCTGGCTGGCTGCCTGCTTCCTGTGACCACTTCCCACGGCTG-3'
Protein context (NP_001041639.1, residues 16-36): AASQEGRQKH[Ala26Asp]KNNSQAKPSA